The following is an entry in ClinVar:

ClinVar aggregate classification (germline): Likely benign. Review status: criteria provided, single submitter (1 of 4 stars). 2 submissions from 2 submitters: Likely benign (1). 1 of the submissions does not count toward it. Last evaluated 2023-04-01.

Conditions:
NCOR2-related disorder. Also called: NCOR2-related condition.

Allele frequency attached by ClinVar (database versions not stated): ExAC 0.00027; 1000 Genomes Project 0.00080; gnomAD 0.00087; TOPMed 0.00110; ESP Exome Variant Server 0.00122; 1000 Genomes Project 30x 0.00172.
gnomAD v4.1: 349 of 1,379,168 alleles (0.025%); highest among the groups gnomAD compares: African/African-American, 0.3%; no homozygotes.

Submissions (2):

CeGaT Center for Human Genetics Tuebingen
Classification: Likely benign. Last evaluated: 2023-04-01. Review status: criteria provided, single submitter. Criteria: CeGaT Center For Human Genetics Tuebingen Variant Classification Criteria Version 2. Collection method: clinical testing. Allele origin: germline. Affected: yes. Observed: 1 variant allele.
Comment: NCOR2: BP4, BP7

PreventionGenetics, part of Exact Sciences
Classification: Likely benign for NCOR2-related condition. Last evaluated: 2019-10-28. Review status: no assertion criteria provided. Collection method: clinical testing. Allele origin: germline. Not counted in ClinVar's aggregate classification.
Comment: This variant is classified as likely benign based on ACMG/AMP sequence variant interpretation guidelines (Richards et al. 2015 PMID: 25741868, with internal and published modifications).

NM_006312.6(NCOR2):c.2928C>T (p.Ile976=)

Gene: NCOR2 (nuclear receptor corepressor 2; minus strand). Cytogenetic location: 12q24.31.
Variant type: single nucleotide variant.
Coding change: c.2928C>T on transcript NM_006312.6 (MANE Select); coding-DNA position 2928, C replaced by T.
Protein change: p.Ile976=; no amino-acid change (isoleucine 976 retained).
Molecular consequence: synonymous variant.
Genome position (GRCh38, 1-based): chr12:124,363,679, G>A on the plus strand (C>T on the coding strand, the complement: NCOR2 is on the minus strand). VCF-style: chr12-124363679-G-A. GRCh37 (hg19) VCF-style: chr12-124848225-G-A.
Other names: c.2874C>T, p.Ile958= (NM_001077261.4, NM_001206654.2); c.2928C>T (NM_006312.5).
Identifiers: ClinVar variation 2643559 (VCV002643559.25), dbSNP rs199599471, ClinGen allele CA6868899.